The following is an entry in ClinVar:

ClinVar aggregate classification (germline): Uncertain significance. Review status: criteria provided, multiple submitters, no conflicts (2 of 4 stars). 3 submissions from 3 submitters: Uncertain significance (3). Last evaluated 2023-10-05.

Conditions:
Inborn genetic diseases. Identifiers: MedGen C0950123, MeSH D030342.
GJA3-related disorder. Also called: GJA3-related condition.
Cataract 14 multiple types. Also called: CATARACT 14, ZONULAR PULVERULENT; CATARACT 14, NUCLEAR PULVERULENT; CATARACT 14, NUCLEAR PULVERULENT AND POSTERIOR POLAR; CATARACT 14, NUCLEAR CORALLIFORM; CATARACT 14, EMBRYONAL NUCLEAR; CATARACT 14, COPPOCK-LIKE. Identifiers: Orphanet 91492, MedGen C1866078, MONDO:0011162, OMIM 601885.

Allele frequency attached by ClinVar (database versions not stated): TOPMed 0.00010; gnomAD exomes 0.00001; ExAC 0.00011.

Submissions (3):

Ambry Genetics
Classification: Uncertain significance for Inborn genetic diseases. Last evaluated: 2023-10-05. Review status: criteria provided, single submitter. Criteria: Ambry Variant Classification Scheme 2023. Collection method: clinical testing. Allele origin: germline.

PreventionGenetics, part of Exact Sciences
Classification: Uncertain significance for GJA3-related condition. Last evaluated: 2023-01-19. Review status: criteria provided, single submitter. Criteria: ACMG Guidelines, 2015. Collection method: clinical testing. Allele origin: germline.
Comment: The GJA3 c.905T>G variant is predicted to result in the amino acid substitution p.Leu302Arg. To our knowledge, this variant has not been reported in the literature. This variant is reported in 0.036% of alleles in individuals of African descent in gnomAD. Although we suspect that this variant may be benign, at this time, the clinical significance of this variant is uncertain due to the absence of conclusive functional and genetic evidence.

Labcorp Genetics (formerly Invitae), Labcorp
Classification: Uncertain significance for Cataract 14 multiple types. Last evaluated: 2023-01-01. Review status: criteria provided, single submitter. Criteria: Invitae Variant Classification Sherloc (09022015). Collection method: clinical testing. Allele origin: germline.
Comment: In summary, the available evidence is currently insufficient to determine the role of this variant in disease. Therefore, it has been classified as a Variant of Uncertain Significance. Advanced modeling of protein sequence and biophysical properties (such as structural, functional, and spatial information, amino acid conservation, physicochemical variation, residue mobility, and thermodynamic stability) performed at Invitae indicates that this missense variant is not expected to disrupt GJA3 protein function. This variant has not been reported in the literature in individuals affected with GJA3-related conditions. This variant is present in population databases (rs758716786, gnomAD 0.05%). This sequence change replaces leucine, which is neutral and non-polar, with arginine, which is basic and polar, at codon 302 of the GJA3 protein (p.Leu302Arg).

NM_021954.4(GJA3):c.905T>G (p.Leu302Arg)

Gene: GJA3 (gap junction protein alpha 3; minus strand). Cytogenetic location: 13q12.11.
Variant type: single nucleotide variant.
Coding change: c.905T>G on transcript NM_021954.4 (MANE Select); coding-DNA position 905, T replaced by G.
Protein change: p.Leu302Arg; replaces leucine 302 with arginine.
Molecular consequence: missense variant.
Genome position (GRCh38, 1-based): chr13:20,142,384, A>C on the plus strand (T>G on the coding strand, the complement: GJA3 is on the minus strand). VCF-style: chr13-20142384-A-C. GRCh37 (hg19) VCF-style: chr13-20716523-A-C.
Other names: c.905T>G (NM_021954.3); short protein forms L302R.
Identifiers: ClinVar variation 2065602 (VCV002065602.6), dbSNP rs758716786, ClinGen allele CA6904026.
Genomic context (GRCh38, chr13:20,142,384, plus strand): 5'-AGCAGGTGGTGGTGGCCGTTGTAGAGCTTGGCGGACTGGCCCTTTCCGCGCGCCTCGGTC[A>C]GGGCTAGCAGTTTGAAGTCCGCGGCTGGTGGCGGGGCCCCGGGGTAGCCCACGGCGCGGG-3'
Protein context (NP_068773.2, residues 292-312): PPAADFKLLA[Leu302Arg]TEARGKGQSA